The following is an entry in ClinVar:

ClinVar aggregate classification (germline): Uncertain significance (1 of 4 stars; one submission).

Conditions:
Hereditary cancer-predisposing syndrome. Also called: Hereditary Cancer Syndrome; Hereditary neoplastic syndrome; Tumor predisposition; Neoplastic Syndromes, Hereditary. Identifiers: Orphanet 140162, MedGen C0027672, MeSH D009386, MONDO:0015356.

Submission:

Ambry Genetics
Classification: Uncertain significance for Hereditary cancer-predisposing syndrome. Last evaluated: 2024-10-17. Review status: criteria provided, single submitter. Criteria: Ambry Variant Classification Scheme 2023. Collection method: clinical testing. Allele origin: germline.
Comment: The p.P131T variant (also known as c.391C>A), located in coding exon 1 of the HOXB13 gene, results from a C to A substitution at nucleotide position 391. The proline at codon 131 is replaced by threonine, an amino acid with highly similar properties. This amino acid position is conserved. In addition, the in silico prediction for this alteration is inconclusive. Based on the available evidence, the clinical significance of this variant remains unclear.

NM_006361.6(HOXB13):c.391C>A (p.Pro131Thr)

Gene: HOXB13 (homeobox B13; minus strand). Cytogenetic location: 17q21.32.
Variant type: single nucleotide variant.
Coding change: c.391C>A on transcript NM_006361.6 (MANE Select); coding-DNA position 391, C replaced by A.
Protein change: p.Pro131Thr; replaces proline 131 with threonine.
Molecular consequence: missense variant.
Genome position (GRCh38, 1-based): chr17:48,728,203, G>T on the plus strand (C>A on the coding strand, the complement: HOXB13 is on the minus strand). VCF-style: chr17-48728203-G-T. GRCh37 (hg19) VCF-style: chr17-46805565-G-T.
Other names: short protein forms P131T.
Identifiers: ClinVar variation 3526300 (VCV003526300.1).